The following is an entry in ClinVar:

NM_001369.3(DNAH5):c.5307_5308delinsTGTGTATAAGAGACA (p.Glu1769fs)

Gene: DNAH5 (dynein axonemal heavy chain 5; minus strand). Cytogenetic location: 5p15.2.
Variant type: Indel.
Coding change: c.5307_5308delinsTGTGTATAAGAGACA on transcript NM_001369.3 (MANE Select); coding-DNA positions 5307 to 5308, GG replaced by TGTGTATAAGAGACA.
Protein change: p.Glu1769fs; shifts the reading frame from glutamic acid 1769.
Molecular consequence: frameshift variant.
Genome position (GRCh38, 1-based): chr5:13,841,868-13,841,869, CC replaced by TGTCTCTTATACACA on the plus strand (GG replaced by TGTGTATAAGAGACA on the coding strand, the reverse complement: DNAH5 is on the minus strand). VCF-style: chr5-13841868-CC-TGTCTCTTATACACA. GRCh37 (hg19) VCF-style: chr5-13841977-CC-TGTCTCTTATACACA.
Other names: short protein forms E1769fs.
Identifiers: ClinVar variation 5011535 (VCV005011535.1).

ClinVar aggregate classification (germline): Pathogenic (1 of 4 stars; one submission).

Conditions:
Primary ciliary dyskinesia 3. Identifiers: Orphanet 244, MedGen C1837618, MONDO:0012085, OMIM 608644.

Submission:

Myriad Genetics, Inc.
Classification: Pathogenic for Primary ciliary dyskinesia 3. Last evaluated: 2023-09-03. Review status: criteria provided, single submitter. Criteria: Myriad Autosomal Dominant, Autosomal Recessive and X-Linked Classification Criteria (2023). Collection method: clinical testing. Allele origin: unknown.
Comment: NM_001369.2(DNAH5):c.5307_5308del2ins15(E1769Dfs*7) is expected to be pathogenic in the context of primary ciliary dyskinesia, DNAH5-related. This variant is predicted to lead to an abnormal or absent protein product due to the creation of a premature termination codon in DNAH5, a gene where loss-of-function variants are known to be pathogenic. Please note: this variant was assessed in the context of healthy population screening.